The following is an entry in ClinVar:

ClinVar aggregate classification (germline): Conflicting classifications of pathogenicity. Review status: criteria provided, conflicting classifications (1 of 4 stars). 2 submissions from 2 submitters: Likely pathogenic (1); Uncertain significance (1). Last evaluated 2026-09-19.

Conditions:
BODY MASS INDEX QUANTITATIVE TRAIT LOCUS 20 (BMIQ20). Also called: MELANOCORTIN 4 RECEPTOR DEFICIENCY; MC4R DEFICIENCY. Identifiers: MedGen C4759928, OMIM 618406.
MC4R-related disorder. Also called: MC4R-related condition.

Submissions (2):

PreventionGenetics, part of Exact Sciences
Classification: Likely pathogenic for MC4R-related condition. Last evaluated: 2026-09-19. Review status: criteria provided, single submitter. Criteria: ACMG Guidelines, 2015. Collection method: clinical testing. Allele origin: germline.
Comment: The MC4R c.895C>T variant is predicted to result in the amino acid substitution p.Pro299Ser. This variant was reported in an individual with severe obesity and found to cause a strong reduction of receptor function in vitro (Calton et al 2009. PubMed ID: 19091795). This variant has not been reported in a large population database (gnomAD), indicating it is rare. At PreventionGenetics, we have detected this variant in five individuals with obesity, including two siblings (internal data). An alternate missense variant of the same amino acid (p.Pro299His) has been considered the cause of obesity in multiple individuals and is classified as pathogenic at PreventionGenetics (see for example, Lubrano-Berthelier et al. 2003. PubMed ID: 12499395). In silico analysis (Liu et al. 2016. PMID:26555599) and protein structural modeling (Bima et al. 2022. DOI 10.1007/s11756-022-01037-3) both predict that the c.895C>T (p.Pro299Ser) variant is disease causing. Taken together, this variant is classified as likely pathogenic.

New York Genome Center
Classification: Uncertain significance for BODY MASS INDEX QUANTITATIVE TRAIT LOCUS 20. Last evaluated: 2021-01-05. Review status: criteria provided, single submitter. Criteria: NYGC Assertion Criteria 2020. Collection method: clinical testing. Allele origin: germline. Observed: 1 heterozygote.
Comment: The c.895C>T,p.Pro299Ser missense variant in MC4R has been reported in a patient with severe obesity [PMID:19091795]. This variant is not reported in gnomAD database, indicating this is a rare allele. This substitution occurs at a position that is conserved across species, and in silico analysis predicts this variant is probably damaging to the protein structure/function [PMID: 27268795]. Based on the available evidence, the variant c.895C>T, p.Pro299Ser in the MC4R gene is classified as a Variant of Uncertain Significance.

NM_005912.3(MC4R):c.895C>T (p.Pro299Ser)

Gene: MC4R (melanocortin 4 receptor; minus strand). Cytogenetic location: 18q21.32.
Variant type: single nucleotide variant.
Coding change: c.895C>T on transcript NM_005912.3 (MANE Select); coding-DNA position 895, C replaced by T.
Protein change: p.Pro299Ser; replaces proline 299 with serine.
Molecular consequence: missense variant.
Genome position (GRCh38, 1-based): chr18:60,371,455, G>A on the plus strand (C>T on the coding strand, the complement: MC4R is on the minus strand). VCF-style: chr18-60371455-G-A. GRCh37 (hg19) VCF-style: chr18-58038688-G-A.
Other names: c.895C>T (NM_005912.2); short protein forms P299S.
Identifiers: ClinVar variation 1803912 (VCV001803912.2), dbSNP rs2511559991, ClinGen allele CA402718841.
Genomic context (GRCh38, chr18:60,371,455, plus strand): 5'-AACAGATGATCTCTTTGAAGGTTTTCCTCAGTTCTTGACTCCGGAGTGCATAAATCAGAG[G>A]ATCGATGATTGAATTACACATGATCAGTATGAGATACAAGTTAAAGTGAGACATGAAGCA-3'
Protein context (NP_005903.2, residues 289-309): ILIMCNSIID[Pro299Ser]LIYALRSQEL